The following is an entry in ClinVar:

NM_198428.3(BBS9):c.615T>C (p.Tyr205=)

Gene: BBS9 (Bardet-Biedl syndrome 9; plus strand). Cytogenetic location: 7p14.3.
Variant type: single nucleotide variant.
Coding change: c.615T>C on transcript NM_198428.3 (MANE Select); coding-DNA position 615, T replaced by C.
Protein change: p.Tyr205=; no amino-acid change (tyrosine 205 retained).
Molecular consequence: synonymous variant. On other transcripts: non-coding transcript variant (3).
Genome position (GRCh38, 1-based): chr7:33,257,408, T>C. VCF-style: chr7-33257408-T-C. GRCh37 (hg19) VCF-style: chr7-33297020-T-C.
Other names: c.615T>C, p.Tyr205= (NM_001033604.2, NM_001033605.2, NM_001348036.1 and 7 more transcripts); c.249T>C, p.Tyr83= (NM_001348037.3, NM_001348044.3, NM_001348045.3 and 1 more transcripts); c.342T>C, p.Tyr114= (NM_001348038.3, NM_001348039.3); c.480T>C, p.Tyr160= (NM_001348042.3).
Identifiers: ClinVar variation 3032316 (VCV003032316.2), dbSNP rs1179309052, ClinGen allele CA454455716.

ClinVar aggregate classification (germline): Likely benign (0 of 4 stars; one submission).

Conditions:
BBS9-related disorder. Also called: BBS9-related condition.

Allele frequency attached by ClinVar (database versions not stated): gnomAD exomes below 0.00001.
gnomAD v4.1: 2 of 1,613,664 alleles (0.00012%); highest among the groups gnomAD compares: Middle Eastern, 0.017%; no homozygotes.

Submission:

PreventionGenetics, part of Exact Sciences
Classification: Likely benign for BBS9-related condition. Last evaluated: 2024-02-21. Review status: no assertion criteria provided. Collection method: clinical testing. Allele origin: germline.
Comment: This variant is classified as likely benign based on ACMG/AMP sequence variant interpretation guidelines (Richards et al. 2015 PMID: 25741868, with internal and published modifications).